The following is an entry in ClinVar:

NM_000388.4(CASR):c.1418T>G (p.Met473Arg)

Gene: CASR (calcium sensing receptor; plus strand). Cytogenetic location: 3q21.1.
Variant type: single nucleotide variant.
Coding change: c.1418T>G on transcript NM_000388.4 (MANE Select); coding-DNA position 1418, T replaced by G.
Protein change: p.Met473Arg; replaces methionine 473 with arginine.
Molecular consequence: missense variant.
Genome position (GRCh38, 1-based): chr3:122,275,852, T>G. VCF-style: chr3-122275852-T-G. GRCh37 (hg19) VCF-style: chr3-121994699-T-G.
Other names: c.1418T>G, p.Met473Arg (NM_001178065.2); short protein forms M473R.
Identifiers: ClinVar variation 2076518 (VCV002076518.4), dbSNP rs2074811449, ClinGen allele CA354154928.

ClinVar aggregate classification (germline): Uncertain significance (1 of 4 stars; one submission).

Conditions:
Familial hypocalciuric hypercalcemia (FHH). Also called: Familial benign hypercalcemia. Identifiers: Orphanet 405, MedGen C1809471, MONDO:0018458.
Autosomal dominant hypocalcemia 1 (HYPOC1). Also called: HYPOCALCEMIA, FAMILIAL. Identifiers: MedGen C3715128, MONDO:0011013, OMIM 601198.

Submission:

Labcorp Genetics (formerly Invitae), Labcorp
Classification: Uncertain significance for Familial hypocalciuric hypercalcemia; Autosomal dominant hypocalcemia 1. Last evaluated: 2023-10-28. Review status: criteria provided, single submitter. Criteria: Invitae Variant Classification Sherloc (09022015). Collection method: clinical testing. Allele origin: germline.
Comment: This sequence change replaces methionine, which is neutral and non-polar, with arginine, which is basic and polar, at codon 473 of the CASR protein (p.Met473Arg). This variant is not present in population databases (gnomAD no frequency). This variant has not been reported in the literature in individuals affected with CASR-related conditions. ClinVar contains an entry for this variant (Variation ID: 2076518). An algorithm developed to predict the effect of missense changes on protein structure and function (PolyPhen-2) suggests that this variant is likely to be tolerated. In summary, the available evidence is currently insufficient to determine the role of this variant in disease. Therefore, it has been classified as a Variant of Uncertain Significance.